The following is an entry in ClinVar:

NM_031407.7(HUWE1):c.2456C>G (p.Ala819Gly)

Gene: HUWE1 (HECT, UBA and WWE domain containing E3 ubiquitin protein ligase 1; minus strand). Cytogenetic location: Xp11.22.
Variant type: single nucleotide variant.
Coding change: c.2456C>G on transcript NM_031407.7 (MANE Select); coding-DNA position 2456, C replaced by G.
Protein change: p.Ala819Gly; replaces alanine 819 with glycine.
Molecular consequence: missense variant.
Genome position (GRCh38, 1-based): chrX:53,607,563, G>C on the plus strand (C>G on the coding strand, the complement: HUWE1 is on the minus strand). VCF-style: chrX-53607563-G-C. GRCh37 (hg19) VCF-style: chrX-53634524-G-C.
Other names: short protein forms A819G.
Identifiers: ClinVar variation 1312023 (VCV001312023.2), dbSNP rs2148705177, ClinGen allele CA413181721.

ClinVar aggregate classification (germline): Uncertain significance (1 of 4 stars; one submission).

Submission:

GeneDx
Classification: Uncertain significance. Last evaluated: 2021-01-20. Review status: criteria provided, single submitter. Criteria: GeneDx Variant Classification Process June 2021. Collection method: clinical testing. Allele origin: germline. Affected: yes.
Comment: Not observed in large population cohorts (Lek et al., 2016); In silico analysis, which includes protein predictors and evolutionary conservation, supports that this variant does not alter protein structure/function; Has not been previously published as pathogenic or benign to our knowledge